The following is an entry in ClinVar:

ClinVar aggregate classification (germline): Likely pathogenic (1 of 4 stars; one submission).

Conditions:
Myopathy, proximal, and ophthalmoplegia (CMYO6). Also called: MYOPATHY WITH CONGENITAL JOINT CONTRACTURES, OPHTHALMOPLEGIA, AND RIMMED VACUOLES; INCLUSION BODY MYOPATHY 3, AUTOSOMAL DOMINANT; CONGENITAL MYOPATHY 6 WITH OPHTHALMOPLEGIA. Identifiers: Orphanet 363677, Orphanet 79091, MedGen C1854106, MONDO:0011577, OMIM 605637.

Allele frequency attached by ClinVar (database versions not stated): gnomAD exomes below 0.00001 and 0.00001; gnomAD 0.00001; TOPMed 0.00001.
gnomAD v4.1: 9 of 1,613,978 alleles (0.00056%); highest among the groups gnomAD compares: Non-Finnish European, 0.00068%; no homozygotes.

Submission:

Labcorp Genetics (formerly Invitae), Labcorp
Classification: Likely pathogenic for Myopathy, proximal, and ophthalmoplegia. Last evaluated: 2017-09-21. Review status: criteria provided, single submitter. Criteria: Invitae Variant Classification Sherloc (09022015). Collection method: clinical testing. Allele origin: germline.
Comment: In summary, the currently available evidence indicates that the variant is pathogenic, but additional data are needed to prove that conclusively. Therefore, this variant has been classified as Likely Pathogenic. Donor and acceptor splice site variants typically lead to a loss of protein function (PMID: 16199547), and loss-of-function variants in MYH2 are known to be pathogenic (PMID: 20418530, 23388406, 24193343). This variant has not been reported in the literature in individuals with MYH2-related disease. This variant is not present in population databases (ExAC no frequency). This sequence change affects an acceptor splice site in intron 18 of the MYH2 gene. It is expected to disrupt RNA splicing and likely results in an absent or disrupted protein product.

Literature cited by the submitters: PubMed 16199547; PubMed 20418530; PubMed 23388406; PubMed 24193343.

NM_017534.6(MYH2):c.2063-2A>T

Genes: MYH2 (myosin heavy chain 2; minus strand), MYHAS (myosin heavy chain gene cluster antisense RNA; plus strand). Cytogenetic location: 17p13.1.
Variant type: single nucleotide variant.
Coding change: c.2063-2A>T on transcript NM_017534.6 (MANE Select); the canonical splice acceptor site of the intron before coding-DNA position 2063, A replaced by T.
Molecular consequence: splice acceptor variant.
Genome position (GRCh38, 1-based): chr17:10,535,192, T>A on the plus strand (A>T on the coding strand, the complement: MYH2 is on the minus strand). VCF-style: chr17-10535192-T-A. GRCh37 (hg19) VCF-style: chr17-10438509-T-A.
Other names: c.2063-2A>T (NM_001100112.2).
Identifiers: ClinVar variation 574451 (VCV000574451.6), dbSNP rs1349048266, ClinGen allele CA398150554.
Genomic context (GRCh38, chr17:10,535,192, plus strand): 5'-GCCTTCCAGCACACCGTTACACCTCAGCTGGTGGAGGACAAGCTCATGCTCCATGGCACC[T>A]AAAAATGCATATTTATTTCACTGCAGAGCTGTTGAAAAGGAGGTGTGGCAGTCATCCTTT-3'